The following is an entry in ClinVar:

NC_000022.11:g.40346353G>A

Gene: ADSL (adenylosuccinate lyase; plus strand). Cytogenetic location: 22q13.1.
Variant type: single nucleotide variant.
Genome position: GRCh38 VCF-style: chr22-40346353-G-A. GRCh37 (hg19) VCF-style: chr22-40742357-G-A.
Identifiers: ClinVar variation 1472877 (VCV001472877.6), dbSNP rs1273594576, ClinGen allele CA753180032.

ClinVar aggregate classification (germline): Uncertain significance (1 of 4 stars; one submission).

Conditions:
Adenylosuccinate lyase deficiency (ADSLD). Also called: ADSL DEFICIENCY. Identifiers: Orphanet 46, MedGen C0268126, MONDO:0007068, OMIM 103050.

Allele frequency attached by ClinVar (database versions not stated): gnomAD exomes below 0.00001; TOPMed below 0.00001; gnomAD 0.00001.

Submission:

Labcorp Genetics (formerly Invitae), Labcorp
Classification: Uncertain significance for Adenylosuccinate lyase deficiency. Last evaluated: 2021-05-03. Review status: criteria provided, single submitter. Criteria: Invitae Variant Classification Sherloc (09022015). Collection method: clinical testing. Allele origin: germline.
Comment: Experimental studies and prediction algorithms are not available or were not evaluated, and the functional significance of this variant is currently unknown. This variant has not been reported in the literature in individuals with ADSL-related conditions. The frequency data for this variant in the population databases is considered unreliable, as metrics indicate insufficient coverage at this position in the ExAC database. This variant occurs in a non-coding region of the ADSL gene. It does not change the encoded amino acid sequence of the ADSL protein. In summary, the available evidence is currently insufficient to determine the role of this variant in disease. Therefore, it has been classified as a Variant of Uncertain Significance.